The following is an entry in ClinVar:

ClinVar aggregate classification (germline): Uncertain significance (1 of 4 stars; one submission).

Conditions:
Inborn genetic diseases. Identifiers: MedGen C0950123, MeSH D030342.

Submission:

Ambry Genetics
Classification: Uncertain significance for Inborn genetic diseases. Last evaluated: 2025-08-28. Review status: criteria provided, single submitter. Criteria: Ambry Variant Classification Scheme 2023. Collection method: clinical testing. Allele origin: germline.
Comment: The p.N279I variant (also known as c.836A>T), located in coding exon 9 of the AKT1 gene, results from an A to T substitution at nucleotide position 836. The asparagine at codon 279 is replaced by isoleucine, an amino acid with dissimilar properties. This amino acid position is conserved. In addition, this alteration is predicted to be deleterious by in silico analysis. Based on the available evidence, the clinical significance of this variant remains unclear.

NM_001382430.1(AKT1):c.836A>T (p.Asn279Ile)

Gene: AKT1 (AKT serine/threonine kinase 1; minus strand). Cytogenetic location: 14q32.33.
Variant type: single nucleotide variant.
Coding change: c.836A>T on transcript NM_001382430.1 (MANE Select); coding-DNA position 836, A replaced by T.
Protein change: p.Asn279Ile; replaces asparagine 279 with isoleucine.
Molecular consequence: missense variant.
Genome position (GRCh38, 1-based): chr14:104,773,372, T>A on the plus strand (A>T on the coding strand, the complement: AKT1 is on the minus strand). VCF-style: chr14-104773372-T-A. GRCh37 (hg19) VCF-style: chr14-105239709-T-A.
Other names: c.836A>T, p.Asn279Ile (NM_001014431.2, NM_001014432.2, NM_001382431.1 and 3 more transcripts); short protein forms N279I.
Identifiers: ClinVar variation 4267656 (VCV004267656.1).
Genomic context (GRCh38, chr14:104,773,372, plus strand): 5'-CCCTCCTTGCACAGCCCGAAGTCTGTGATCTTAATGTGCCCGTCCTTGTCCAGCATGAGG[T>A]TCTCCAGCTAGGGGAAAGGTGGCCTCAGGTCAGTGCCGCCAGGCCCCCAGGGCCCTGCCC-3'
Protein context (NP_001369359.1, residues 269-289): NVVYRDLKLE[Asn279Ile]LMLDKDGHIK